The following is an entry in ClinVar:

ClinVar aggregate classification (germline): Uncertain significance. Review status: criteria provided, multiple submitters, no conflicts (2 of 4 stars). 4 submissions from 4 submitters: Uncertain significance (4). Last evaluated 2026-04-06.

Conditions:
Inborn genetic diseases. Identifiers: MedGen C0950123, MeSH D030342.
Autosomal recessive limb-girdle muscular dystrophy type 2K. Also called: MUSCULAR DYSTROPHY-DYSTROGLYCANOPATHY (LIMB-GIRDLE), TYPE C, 1; MUSCULAR DYSTROPHY, LIMB-GIRDLE, TYPE 2K. Identifiers: Orphanet 86812, MedGen C1836373, MONDO:0012248, OMIM 609308.
Muscular dystrophy-dystroglycanopathy (congenital with impaired intellectual development), type B, 1. Also called: Muscular dystrophy-dystroglycanopathy (congenital with intellectual disability), type B1; MUSCULAR DYSTROPHY, CONGENITAL, POMT1-RELATED. Identifiers: MedGen C5436962, MONDO:0013159, OMIM 613155.
Walker-Warburg congenital muscular dystrophy. Also called: Muscular dystrophy-dystroglycanopathy, type A; Walker-Warburg syndrome. Identifiers: Orphanet 899, MedGen C0265221, MONDO:0000171.

Allele frequency attached by ClinVar (database versions not stated): ESP Exome Variant Server 0.00008; TOPMed 0.00003.
gnomAD v4.1: 6 of 1,608,196 alleles (0.00037%); highest among the groups gnomAD compares: African/African-American, 0.0053%; no homozygotes.

Submissions (4):

GeneDx
Classification: Uncertain significance. Last evaluated: 2026-04-06. Review status: criteria provided, single submitter. Criteria: GeneDx Variant Classification Process June 2021. Collection method: clinical testing. Allele origin: germline.
Comment: Not observed at significant frequency in large population cohorts (gnomAD); In silico analysis suggests that this missense variant does not alter protein structure/function; Has not been previously published as pathogenic or benign to our knowledge; This variant is associated with the following publications: (PMID: 22549409)

Ambry Genetics
Classification: Uncertain significance for Inborn genetic diseases. Last evaluated: 2025-08-22. Review status: criteria provided, single submitter. Criteria: Ambry Variant Classification Scheme 2023. Collection method: clinical testing. Allele origin: germline.

Labcorp Genetics (formerly Invitae), Labcorp
Classification: Uncertain significance for Muscular dystrophy-dystroglycanopathy (congenital with impaired intellectual development), type B, 1; Walker-Warburg congenital muscular dystrophy; Autosomal recessive limb-girdle muscular dystrophy type 2K. Last evaluated: 2022-07-05. Review status: criteria provided, single submitter. Criteria: Invitae Variant Classification Sherloc (09022015). Collection method: clinical testing. Allele origin: germline.
Comment: This sequence change replaces histidine, which is basic and polar, with glutamine, which is neutral and polar, at codon 711 of the POMT1 protein (p.His711Gln). The frequency data for this variant in the population databases is considered unreliable, as metrics indicate poor data quality at this position in the gnomAD database. This variant has not been reported in the literature in individuals affected with POMT1-related conditions. ClinVar contains an entry for this variant (Variation ID: 365284). Algorithms developed to predict the effect of missense changes on protein structure and function (SIFT, PolyPhen-2, Align-GVGD) all suggest that this variant is likely to be tolerated. Algorithms developed to predict the effect of sequence changes on RNA splicing suggest that this variant may create or strengthen a splice site. In summary, the available evidence is currently insufficient to determine the role of this variant in disease. Therefore, it has been classified as a Variant of Uncertain Significance.

Illumina Laboratory Services, Illumina
Classification: Uncertain significance for Autosomal recessive limb-girdle muscular dystrophy type 2K. Last evaluated: 2018-01-12. Review status: criteria provided, single submitter. Criteria: ICSL Variant Classification Criteria 13 December 2019. Collection method: clinical testing. Allele origin: germline.

NM_001077365.2(POMT1):c.2067C>A (p.His689Gln)

Gene: POMT1 (protein O-mannosyltransferase 1; plus strand). Cytogenetic location: 9q34.13.
Variant type: single nucleotide variant.
Coding change: c.2067C>A on transcript NM_001077365.2 (MANE Select); coding-DNA position 2067, C replaced by A.
Protein change: p.His689Gln; replaces histidine 689 with glutamine.
Molecular consequence: missense variant. On other transcripts: non-coding transcript variant (10).
Genome position (GRCh38, 1-based): chr9:131,522,995, C>A. VCF-style: chr9-131522995-C-A. GRCh37 (hg19) VCF-style: chr9-134398382-C-A.
Other names: c.1905C>A, p.His635Gln (NM_001077366.2, NM_001353194.2); c.2067C>A, p.His689Gln (NM_001136113.2); c.1716C>A, p.His572Gln (NM_001136114.2, NM_001353195.2, NM_001374691.1 and 2 more transcripts); c.2133C>A, p.His711Gln (NM_001353193.2, NM_007171.4); c.1977C>A, p.His659Gln (NM_001353196.2); c.1971C>A, p.His657Gln (NM_001353197.2, NM_001353198.2); c.1782C>A, p.His594Gln (NM_001353199.2); c.1611C>A, p.His537Gln (NM_001353200.2); and 3 more; short protein forms H711Q, H635Q, H659Q, H594Q, H657Q, H572Q, H689Q, H537Q.
Identifiers: ClinVar variation 365284 (VCV000365284.11), dbSNP rs141895982, ClinGen allele CA5293927.